The following is an entry in ClinVar:

ClinVar aggregate classification (germline): Uncertain significance. Review status: criteria provided, multiple submitters, no conflicts (2 of 4 stars). 4 submissions from 4 submitters: Uncertain significance (4). Last evaluated 2026-02-14.

Conditions:
POT1-related disorder. Also called: POT1-related condition.
Tumor predisposition syndrome 3 (TPDS3). Also called: Melanoma, cutaneous malignant, susceptibility to, 10; Glioma susceptibility 9; LONG TELOMERE SYNDROME, POT1-RELATED; POT1 Tumor Predisposition. Identifiers: Orphanet 618, MedGen C4014476, MONDO:0014368, OMIM 615848.
Hereditary cancer-predisposing syndrome. Also called: Neoplastic Syndromes, Hereditary; Hereditary Cancer Syndrome; Tumor predisposition; Hereditary neoplastic syndrome. Identifiers: Orphanet 140162, MedGen C0027672, MeSH D009386, MONDO:0015356.

Allele frequency attached by ClinVar (database versions not stated): gnomAD exomes below 0.00001 and 0.00001; gnomAD 0.00002.
gnomAD v4.1: 12 of 1,582,648 alleles (0.00076%); highest among the groups gnomAD compares: Admixed American, 0.0051%; no homozygotes.

Submissions (4):

PreventionGenetics, part of Exact Sciences
Classification: Uncertain significance for POT1-related condition. Last evaluated: 2026-02-14. Review status: criteria provided, single submitter. Criteria: ACMG Guidelines, 2015. Collection method: clinical testing. Allele origin: germline.
Comment: The POT1 c.1606G>A variant is predicted to result in the amino acid substitution p.Val536Ile. To our knowledge, this variant has not been reported in the literature and the population frequency data is unreliable at this location in gnomAD. It is classified as uncertain in ClinVar (Variation ID: 486147). At this time, the clinical significance of this variant is uncertain due to the absence of conclusive functional and genetic evidence.

Labcorp Genetics (formerly Invitae), Labcorp
Classification: Uncertain significance for Tumor predisposition syndrome 3. Last evaluated: 2025-12-11. Review status: criteria provided, single submitter. Criteria: Invitae Variant Classification Sherloc (09022015). Collection method: clinical testing. Allele origin: germline.
Comment: This sequence change replaces valine, which is neutral and non-polar, with isoleucine, which is neutral and non-polar, at codon 536 of the POT1 protein (p.Val536Ile). The frequency data for this variant in the population databases is considered unreliable, as metrics indicate poor data quality at this position in the gnomAD database. This variant has not been reported in the literature in individuals affected with POT1-related conditions. ClinVar contains an entry for this variant (Variation ID: 486147). Invitae Evidence Modeling of protein sequence and biophysical properties (such as structural, functional, and spatial information, amino acid conservation, physicochemical variation, residue mobility, and thermodynamic stability) indicates that this missense variant is not expected to disrupt POT1 protein function with a negative predictive value of 80%. In summary, the available evidence is currently insufficient to determine the role of this variant in disease. Therefore, it has been classified as a Variant of Uncertain Significance.

Ambry Genetics
Classification: Uncertain significance for Hereditary cancer-predisposing syndrome. Last evaluated: 2025-09-07. Review status: criteria provided, single submitter. Criteria: Ambry Variant Classification Scheme 2023. Collection method: clinical testing. Allele origin: germline.
Comment: The p.V536I variant (also known as c.1606G>A), located in coding exon 13 of the POT1 gene, results from a G to A substitution at nucleotide position 1606. The valine at codon 536 is replaced by isoleucine, an amino acid with highly similar properties. This amino acid position is well conserved in available vertebrate species. In addition, this alteration is predicted to be tolerated by in silico analysis. Since supporting evidence is limited at this time, the clinical significance of this alteration remains unclear.

Quest Diagnostics Nichols Institute San Juan Capistrano
Classification: Uncertain significance. Last evaluated: 2025-07-03. Review status: criteria provided, single submitter. Criteria: Quest Diagnostics criteria. Collection method: clinical testing. Allele origin: unknown.
Comment: The POT1 c.1606G>A (p.Val536Ile) variant has not been reported in individuals with POT1-related conditions in the published literature. The frequency of this variant in the general population (Genome Aggregation Database) is uninformative in the assessment of its pathogenicity. Analysis of this variant using bioinformatics tools for the prediction of the effect of amino acid changes on protein structure and function yielded predictions that this variant is benign. Based on the available information, we are unable to determine the clinical significance of this variant.

NM_015450.3(POT1):c.1606G>A (p.Val536Ile)

Gene: POT1 (protection of telomeres 1; minus strand). Cytogenetic location: 7q31.33.
Variant type: single nucleotide variant.
Coding change: c.1606G>A on transcript NM_015450.3 (MANE Select); coding-DNA position 1606, G replaced by A.
Protein change: p.Val536Ile; replaces valine 536 with isoleucine.
Molecular consequence: missense variant. On other transcripts: non-coding transcript variant (3).
Genome position (GRCh38, 1-based): chr7:124,827,294, C>T on the plus strand (G>A on the coding strand, the complement: POT1 is on the minus strand). VCF-style: chr7-124827294-C-T. GRCh37 (hg19) VCF-style: chr7-124467348-C-T.
Other names: c.1213G>A, p.Val405Ile (NM_001042594.2); short protein forms V536I, V405I.
Identifiers: ClinVar variation 486147 (VCV000486147.21), dbSNP rs1174783791, ClinGen allele CA369063241.